The following is an entry in ClinVar:

NM_004631.5(LRP8):c.41TGC[12] (p.Leu24_Gln25insLeu)

Genes: LRP8 (LDL receptor related protein 8; minus strand), LOC129930568 (ATAC-STARR-seq lymphoblastoid silent region 908; plus strand). Cytogenetic location: 1p32.3.
Variant type: Microsatellite.
Coding change: c.41TGC[12] on transcript NM_004631.5 (MANE Select); 12 copies in a row of the 3-base unit TGC starting at c.41; the reference has 11 copies in a row; one copy, 3 bases duplicated.
Protein change: p.Leu24_Gln25insLeu.
Molecular consequence: inframe insertion.
Genome position (GRCh38, 1-based): chr1:53,327,840-53,327,842, GCA duplicated on the plus strand (TGC on the coding strand, the reverse complement: LRP8 is on the minus strand); duplicating any 3 consecutive bases within chr1:53,327,840-53,327,874 gives the same sequence; the position shown is the placement nearest the transcript's 3' end. VCF-style (leftmost placement, unchanged base first): chr1-53327839-T-TGCA. GRCh37 (hg19) VCF-style: chr1-53793511-T-TGCA.
Other names: c.71_73dupTGC (NM_004631.4); c.41TGC[12], p.Leu24_Gln25insLeu (NM_001018054.3, NM_017522.5, NM_033300.4).
Identifiers: ClinVar variation 2638824 (VCV002638824.25), dbSNP rs764027862, ClinGen allele CA860545.
Genomic context (GRCh38, chr1:53,327,839, plus strand): 5'-CTGCACGCACCTTGGCCGCCGAGCAGCGGATCAGCCGCTGCCGCCGCAAGATGCTGGAGC[T>TGCA]GCAGCAGCAGCAGCAGCAGCAGCAGCAGCAGCAGCGCCAGAAGCCGGAGAGGGCCCGGCT-3'

ClinVar aggregate classification (germline): Likely benign. Review status: criteria provided, single submitter (1 of 4 stars). 2 submissions from 2 submitters: Likely benign (1). 1 of the submissions does not count toward it. Last evaluated 2022-10-01.

Conditions:
LRP8-related disorder. Also called: LRP8-related condition.

Submissions (2):

CeGaT Center for Human Genetics Tuebingen
Classification: Likely benign. Last evaluated: 2022-10-01. Review status: criteria provided, single submitter. Criteria: CeGaT Center For Human Genetics Tuebingen Variant Classification Criteria Version 2. Collection method: clinical testing. Allele origin: germline. Affected: yes. Observed: 2 variant alleles.
Comment: LRP8: BP4, BS1

PreventionGenetics, part of Exact Sciences
Classification: Benign for LRP8-related condition. Last evaluated: 2019-09-06. Review status: no assertion criteria provided. Collection method: clinical testing. Allele origin: germline. Not counted in ClinVar's aggregate classification.
Comment: This variant is classified as benign based on ACMG/AMP sequence variant interpretation guidelines (Richards et al. 2015 PMID: 25741868, with internal and published modifications).